The following is an entry in ClinVar:

NM_017541.4(CRYGS):c.169G>A (p.Gly57Arg)

Gene: CRYGS (crystallin gamma S; minus strand). Cytogenetic location: 3q27.3.
Variant type: single nucleotide variant.
Coding change: c.169G>A on transcript NM_017541.4 (MANE Select); coding-DNA position 169, G replaced by A.
Protein change: p.Gly57Arg; replaces glycine 57 with arginine.
Molecular consequence: missense variant.
Genome position (GRCh38, 1-based): chr3:186,539,450, C>T on the plus strand (G>A on the coding strand, the complement: CRYGS is on the minus strand). VCF-style: chr3-186539450-C-T. GRCh37 (hg19) VCF-style: chr3-186257239-C-T.
Other names: short protein forms G57R.
Identifiers: ClinVar variation 3726901 (VCV003726901.2).

ClinVar aggregate classification (germline): Uncertain significance (1 of 4 stars; one submission).

Conditions:
Cataract 20 multiple types (CTRCT20). Also called: Membranous cataract. Identifiers: Orphanet 91492, MedGen C0524524, MONDO:0007284, OMIM 116100, HP:0010922.

Submission:

Labcorp Genetics (formerly Invitae), Labcorp
Classification: Uncertain significance for Cataract 20 multiple types. Last evaluated: 2025-02-27. Review status: criteria provided, single submitter. Criteria: Invitae Variant Classification Sherloc (09022015). Collection method: clinical testing. Allele origin: germline.
Comment: This sequence change replaces glycine, which is neutral and non-polar, with arginine, which is basic and polar, at codon 57 of the CRYGS protein (p.Gly57Arg). This variant is not present in population databases (gnomAD no frequency). This missense change has been observed in individual(s) with congenital cataracts (internal data). An algorithm developed to predict the effect of missense changes on protein structure and function (PolyPhen-2) suggests that this variant is likely to be disruptive. In summary, the available evidence is currently insufficient to determine the role of this variant in disease. Therefore, it has been classified as a Variant of Uncertain Significance.